The following is an entry in ClinVar:

ClinVar aggregate classification (germline): Uncertain significance (1 of 4 stars; one submission).

Submission:

Labcorp Genetics (formerly Invitae), Labcorp
Classification: Uncertain significance. Last evaluated: 2023-09-22. Review status: criteria provided, single submitter. Criteria: Invitae Variant Classification Sherloc (09022015). Collection method: clinical testing. Allele origin: germline.
Comment: This variant has not been reported in the literature in individuals affected with KLF1-related conditions. Advanced modeling of protein sequence and biophysical properties (such as structural, functional, and spatial information, amino acid conservation, physicochemical variation, residue mobility, and thermodynamic stability) performed at Invitae indicates that this missense variant is not expected to disrupt KLF1 protein function. In summary, the available evidence is currently insufficient to determine the role of this variant in disease. Therefore, it has been classified as a Variant of Uncertain Significance. This sequence change replaces proline, which is neutral and non-polar, with glutamine, which is neutral and polar, at codon 85 of the KLF1 protein (p.Pro85Gln). This variant is not present in population databases (gnomAD no frequency).

NM_006563.5(KLF1):c.254C>A (p.Pro85Gln)

Gene: KLF1 (KLF transcription factor 1; minus strand). Cytogenetic location: 19p13.13.
Variant type: single nucleotide variant.
Coding change: c.254C>A on transcript NM_006563.5 (MANE Select); coding-DNA position 254, C replaced by A.
Protein change: p.Pro85Gln; replaces proline 85 with glutamine.
Molecular consequence: missense variant.
Genome position (GRCh38, 1-based): chr19:12,885,976, G>T on the plus strand (C>A on the coding strand, the complement: KLF1 is on the minus strand). VCF-style: chr19-12885976-G-T. GRCh37 (hg19) VCF-style: chr19-12996790-G-T.
Other names: short protein forms P85Q.
Identifiers: ClinVar variation 2762595 (VCV002762595.3), dbSNP rs2512556405, ClinGen allele CA404309849.
Genomic context (GRCh38, chr19:12,885,976, plus strand): 5'-TGCGCCCCGGAGGCCTCGCTGGGCGCCAGAGCGCAGGTCTGGGGCGCGCCACCGGGCTCC[G>T]GGCCCGAGAAGTTGGTGAGGAGGAGATCCAGGTCCCAGGTGGCGTCCGCGCCCCTCTCAT-3'
Protein context (NP_006554.1, residues 75-95): LDLLLTNFSG[Pro85Gln]EPGGAPQTCA